The following is an entry in ClinVar:

ClinVar aggregate classification (germline): Uncertain significance (1 of 4 stars; one submission).

Conditions:
Hypertrophic cardiomyopathy. Also called: HYPERTROPHIC MYOCARDIOPATHY. Identifiers: Orphanet 217569, MedGen C0007194, MeSH D002312, MONDO:0005045, HP:0001639.

Submission:

All of Us Research Program, National Institutes of Health
Classification: Uncertain significance for Hypertrophic cardiomyopathy. Last evaluated: 2024-02-05. Review status: criteria provided, single submitter. Criteria: ACMG Guidelines, 2015. Collection method: clinical testing. Allele origin: germline. Inheritance: Autosomal dominant inheritance. Observed: 1 variant allele, 1 heterozygote.
Comment: This missense variant replaces leucine with histidine at codon 47 of the PRKAG2 protein. Computational prediction suggests that this variant may not impact protein structure and function (internally defined REVEL score threshold <= 0.5, PMID: 27666373). To our knowledge, functional studies have not been reported for this variant. This variant has not been reported in individuals affected with PRKAG2-related disorders in the literature. This variant has not been identified in the general population by the Genome Aggregation Database (gnomAD). The available evidence is insufficient to determine the role of this variant in disease conclusively. Therefore, this variant is classified as a Variant of Uncertain Significance.

This study involves interpretation of variants in research participants for the purpose of population health screening. Participant phenotype was not available at the time of variant classification. Additional details can be found in publication PMID: 35346344, PMCID: PMC8962531

NM_016203.4(PRKAG2):c.140T>A (p.Leu47His)

Gene: PRKAG2 (protein kinase AMP-activated non-catalytic subunit gamma 2; minus strand). Cytogenetic location: 7q36.1.
Variant type: single nucleotide variant.
Coding change: c.140T>A on transcript NM_016203.4 (MANE Select); coding-DNA position 140, T replaced by A.
Protein change: p.Leu47His; replaces leucine 47 with histidine.
Molecular consequence: missense variant. On other transcripts: intron variant (1).
Genome position (GRCh38, 1-based): chr7:151,786,516, A>T on the plus strand (T>A on the coding strand, the complement: PRKAG2 is on the minus strand). VCF-style: chr7-151786516-A-T. GRCh37 (hg19) VCF-style: chr7-151483602-A-T.
Other names: c.8T>A, p.Leu3His (NM_001040633.2, NM_001407024.1, NM_001407026.1 and 2 more transcripts); c.140T>A, p.Leu47His (NM_001407021.1, NM_001407022.1, NM_001407023.1 and 2 more transcripts); c.148+27900T>A (NM_001407032.1); short protein forms L3H, L47H.
Identifiers: ClinVar variation 3075484 (VCV003075484.1), dbSNP rs2537961163, ClinGen allele CA370070068.
Genomic context (GRCh38, chr7:151,786,516, plus strand): 5'-AAAGGAGGTCTTACCTTTCGAGAGGAATGCTTTCCGGAACCCTCCAGGTCTCCGTCCAGG[A>T]GCGGCATGGCGAAGGAGCTCAGGTCCTAGGGTGGACAGAGAGCACGTGGTCAGTGACAGT-3'
Protein context (NP_057287.2, residues 37-57): IPDLSSFAMP[Leu47His]LDGDLEGSGK